The following is an entry in ClinVar:

NM_001142800.2(EYS):c.8325del (p.Lys2775_Val2776insTer)

Genes: EYS (EGF-like photoreceptor maintenance factor; minus strand), PHF3 (PHD finger protein 3; plus strand). Cytogenetic location: 6q12.
Variant type: Deletion.
Coding change: c.8325del on transcript NM_001142800.2 (MANE Select); coding-DNA position 8325, one base deleted (A; older notation c.8325delA).
Protein change: p.Lys2775_Val2776insTer.
Molecular consequence: frameshift variant. On other transcripts: 3 prime UTR variant (5).
Genome position (GRCh38, 1-based): chr6:63,721,706, T deleted on the plus strand (A on the coding strand, the reverse complement: EYS is on the minus strand); the first of 5 consecutive T bases (chr6:63,721,706-63,721,710); deleting any one gives the same sequence. VCF-style (leftmost placement, unchanged base first): chr6-63721705-CT-C. GRCh37 (hg19) VCF-style: chr6-64431601-CT-C.
Other names: c.8325del (NM_001142800.1); c.*8002del (NM_001290259.2, NM_001370348.2, NM_001370349.2 and 2 more transcripts); c.8388del, p.Lys2796_Val2797insTer (NM_001292009.2).
Identifiers: ClinVar variation 4731213 (VCV004731213.2).
Genomic context (GRCh38, chr6:63,721,705, plus strand): 5'-AGCCTTCTGCACCAACTCTTCCTGCTTTTATTATATGCCAAGTACTTCCGTTTATAGTTA[CT>C]TTTTGGAGAGTTTCTAGAATGATAGTTCTGTCGCCAAGGTTGTAGCGAAGTTGAACGGAA-3'

ClinVar aggregate classification (germline): Pathogenic/Likely pathogenic. Review status: criteria provided, multiple submitters, no conflicts (2 of 4 stars). 2 submissions from 2 submitters: Pathogenic (1); Likely pathogenic (1). Last evaluated 2026-01-07.

Conditions:
Retinitis pigmentosa 25 (RP25). Identifiers: Orphanet 791, MedGen C1864446, MONDO:0011272, OMIM 602772.

Submissions (2):

Natera, Inc.
Classification: Likely pathogenic for Retinitis pigmentosa type 25. Last evaluated: 2026-01-07. Review status: criteria provided, single submitter. Criteria: Natera Variant Classification Schema (03/2026). Collection method: clinical testing. Allele origin: germline.
Comment: The c.8325del variant in EYS is a frameshift variant predicted to shift the reading frame and introduce a stop codon. This variant is expected to result in nonsense mediated decay, truncation, or a dysfunctional protein product. This variant is rare in the general population with a frequency below the threshold expected for the associated phenotype(s). Given the available evidence, this variant is classified as Likely Pathogenic.

Labcorp Genetics (formerly Invitae), Labcorp
Classification: Pathogenic. Last evaluated: 2025-11-13. Review status: criteria provided, single submitter. Criteria: Invitae Variant Classification Sherloc (09022015). Collection method: clinical testing. Allele origin: germline.
Comment: This sequence change creates a premature translational stop signal (p.Val2776*) in the EYS gene. While this is not anticipated to result in nonsense mediated decay, it is expected to disrupt the last 369 amino acid(s) of the EYS protein. This variant is not present in population databases (gnomAD no frequency). This premature translational stop signal has been observed in individual(s) with retinitis pigmentosa (PMID: 30029497). This variant disrupts a region of the EYS protein in which other variant(s) (p.Tyr3135*) have been determined to be pathogenic (PMID: 18976725, 29159838, 30337596, 31074760). This suggests that this is a clinically significant region of the protein, and that variants that disrupt it are likely to be disease-causing. For these reasons, this variant has been classified as Pathogenic.

Literature cited by the submitters: PubMed 30029497 (cited by Labcorp Genetics (formerly Invitae), Labcorp); PubMed 18976725 (cited by Labcorp Genetics (formerly Invitae), Labcorp); PubMed 29159838 (cited by Labcorp Genetics (formerly Invitae), Labcorp); PubMed 30337596 (cited by Labcorp Genetics (formerly Invitae), Labcorp); PubMed 31074760 (cited by Labcorp Genetics (formerly Invitae), Labcorp).